The following is an entry in ClinVar:

ClinVar aggregate classification (germline): Uncertain significance (1 of 4 stars; one submission).

gnomAD v4.1: 14 of 1,544,534 alleles (0.00091%); highest among the groups gnomAD compares: African/African-American, 0.0027%; no homozygotes.

Submission:

Athena Diagnostics
Classification: Uncertain significance. Last evaluated: 2025-06-25. Review status: criteria provided, single submitter. Criteria: Athena Diagnostics Criteria. Collection method: clinical testing. Allele origin: unknown.
Comment: Available data are insufficient to determine the clinical significance of the variant at this time. The frequency of this variant in the general population is uninformative in assessment of its pathogenicity. Computational tools yielded predictions that this variant is unlikely to have an effect on normal RNA splicing.

NM_000070.3(CAPN3):c.1030-30G>C

Gene: CAPN3 (calpain 3; plus strand). Cytogenetic location: 15q15.1.
Variant type: single nucleotide variant.
Coding change: c.1030-30G>C on transcript NM_000070.3 (MANE Select); 30 bases into the intron before coding-DNA position 1030, G replaced by C.
Molecular consequence: intron variant.
Genome position (GRCh38, 1-based): chr15:42,394,226, G>C. VCF-style: chr15-42394226-G-C. GRCh37 (hg19) VCF-style: chr15-42686424-G-C.
Other names: c.1030-30G>C (NM_024344.2); c.886-30G>C (NM_173087.2).
Identifiers: ClinVar variation 4682226 (VCV004682226.1).
Genomic context (GRCh38, chr15:42,394,226, plus strand): 5'-CCCCCCAGCCCCGTCCCAGCCCTCAGCAAGACAGAAGATTCCCTTTCCAGAGAGGCTGCA[G>C]AGCATGAGAGCTCTTTCTGTGTGCTTAAGGTCCCGTTCAAAGGTGAGAAAGTGAAGCTGG-3'